The following is an entry in ClinVar:

NM_001378778.1(MPDZ):c.5941G>A (p.Gly1981Arg)

Gene: MPDZ (multiple PDZ domain crumbs cell polarity complex component; minus strand). Cytogenetic location: 9p23.
Variant type: single nucleotide variant.
Coding change: c.5941G>A on transcript NM_001378778.1 (MANE Select); coding-DNA position 5941, G replaced by A.
Protein change: p.Gly1981Arg; replaces glycine 1981 with arginine.
Molecular consequence: missense variant.
Genome position (GRCh38, 1-based): chr9:13,109,953, C>T on the plus strand (G>A on the coding strand, the complement: MPDZ is on the minus strand). VCF-style: chr9-13109953-C-T. GRCh37 (hg19) VCF-style: chr9-13109952-C-T.
Other names: c.5842G>A, p.Gly1948Arg (NM_001261406.2, NM_001375416.1, NM_001375417.1 and 1 more transcripts); c.5755G>A, p.Gly1919Arg (NM_001261407.2, NM_001375419.1); c.5941G>A, p.Gly1981Arg (NM_001330637.2); c.6040G>A, p.Gly2014Arg (NM_001375413.1); c.5731G>A, p.Gly1911Arg (NM_001375420.1, NM_001375421.1, NM_001375422.1 and 2 more transcripts); c.5644G>A, p.Gly1882Arg (NM_001375425.1, NM_001375426.1); c.5533G>A, p.Gly1845Arg (NM_001375427.1); c.5854G>A, p.Gly1952Arg (NM_003829.5); short protein forms G1952R, G1911R, G1919R, G2014R, G1845R, G1882R, G1948R, G1981R.
Identifiers: ClinVar variation 1471892 (VCV001471892.6), dbSNP rs779048168, ClinGen allele CA189267115.

ClinVar aggregate classification (germline): Uncertain significance (1 of 4 stars; one submission).

gnomAD v4.1: 2 of 1,610,798 alleles (0.00012%); highest among the groups gnomAD compares: Non-Finnish European, 0.00017%; no homozygotes.

Submission:

Labcorp Genetics (formerly Invitae), Labcorp
Classification: Uncertain significance. Last evaluated: 2024-10-21. Review status: criteria provided, single submitter. Criteria: Invitae Variant Classification Sherloc (09022015). Collection method: clinical testing. Allele origin: germline.
Comment: This sequence change replaces glycine, which is neutral and non-polar, with arginine, which is basic and polar, at codon 1952 of the MPDZ protein (p.Gly1952Arg). This variant is present in population databases (no rsID available, gnomAD 0.002%). This variant has not been reported in the literature in individuals affected with MPDZ-related conditions. ClinVar contains an entry for this variant (Variation ID: 1471892). An algorithm developed to predict the effect of missense changes on protein structure and function (PolyPhen-2) suggests that this variant is likely to be disruptive. In summary, the available evidence is currently insufficient to determine the role of this variant in disease. Therefore, it has been classified as a Variant of Uncertain Significance.